The following is an entry in ClinVar:

ClinVar aggregate classification (germline): Likely benign (1 of 4 stars; one submission).

Allele frequency attached by ClinVar (database versions not stated): gnomAD exomes 0.00005; ExAC 0.00012; 1000 Genomes Project 30x 0.00016; 1000 Genomes Project 0.00020.

Submission:

CeGaT Center for Human Genetics Tuebingen
Classification: Likely benign. Last evaluated: 2025-11-01. Review status: criteria provided, single submitter. Criteria: CeGaT Center For Human Genetics Tuebingen Variant Classification Criteria Version 2. Collection method: clinical testing. Allele origin: germline. Affected: yes. Observed: 2 variant alleles.
Comment: USP17L7: BP4, BS2

NM_001256869.2(USP17L7):c.852C>T (p.Ser284=)

Genes: FAM66D (family with sequence similarity 66 member D), USP17L7 (ubiquitin specific peptidase 17 like family member 7; minus strand). Cytogenetic location: 8p23.1.
Variant type: single nucleotide variant.
Coding change: c.852C>T on transcript NM_001256869.2 (MANE Select); coding-DNA position 852, C replaced by T.
Protein change: p.Ser284=; no amino-acid change (serine 284 retained).
Molecular consequence: synonymous variant.
Genome position (GRCh38, 1-based): chr8:12,133,158, G>A on the plus strand (C>T on the coding strand, the complement: USP17L7 is on the minus strand). VCF-style: chr8-12133158-G-A. GRCh37 (hg19) VCF-style: chr8-11990667-G-A.
Identifiers: ClinVar variation 2658418 (VCV002658418.24), dbSNP rs562149368, ClinGen allele CA4634205.